The following is an entry in ClinVar:

NM_003384.3(VRK1):c.151A>G (p.Ile51Val)

Gene: VRK1 (VRK serine/threonine kinase 1; plus strand). Cytogenetic location: 14q32.2.
Variant type: single nucleotide variant.
Coding change: c.151A>G on transcript NM_003384.3 (MANE Select); coding-DNA position 151, A replaced by G.
Protein change: p.Ile51Val; replaces isoleucine 51 with valine.
Molecular consequence: missense variant.
Genome position (GRCh38, 1-based): chr14:96,833,622, A>G. VCF-style: chr14-96833622-A-G. GRCh37 (hg19) VCF-style: chr14-97299959-A-G.
Other names: short protein forms I51V.
Identifiers: ClinVar variation 966138 (VCV000966138.7), dbSNP rs1237038231, ClinGen allele CA390931209.

ClinVar aggregate classification (germline): Uncertain significance. Review status: criteria provided, multiple submitters, no conflicts (2 of 4 stars). 3 submissions from 3 submitters: Uncertain significance (2). 1 of the submissions does not count toward it. Last evaluated 2022-02-28.

Conditions:
Inborn genetic diseases. Identifiers: MedGen C0950123, MeSH D030342.
Pontocerebellar hypoplasia type 1A (PCH1A). Also called: PONTOCEREBELLAR HYPOPLASIA WITH ANTERIOR HORN CELL DISEASE; PONTOCEREBELLAR HYPOPLASIA WITH INFANTILE SPINAL MUSCULAR ATROPHY. Identifiers: Orphanet 2254, Orphanet 88616, MedGen C1843504, MONDO:0011866, OMIM 607596.

Allele frequency attached by ClinVar (database versions not stated): gnomAD exomes below 0.00001 and 0.00002; gnomAD 0.00001; TOPMed 0.00001.
gnomAD v4.1: 14 of 1,613,538 alleles (0.00087%); highest among the groups gnomAD compares: Middle Eastern, 0.016%; no homozygotes.

Submissions (3):

Labcorp Genetics (formerly Invitae), Labcorp
Classification: Uncertain significance for Pontocerebellar hypoplasia type 1A. Last evaluated: 2022-02-28. Review status: criteria provided, single submitter. Criteria: Invitae Variant Classification Sherloc (09022015). Collection method: clinical testing. Allele origin: germline.
Comment: This sequence change replaces isoleucine, which is neutral and non-polar, with valine, which is neutral and non-polar, at codon 51 of the VRK1 protein (p.Ile51Val). This variant is present in population databases (no rsID available, gnomAD 0.01%). This variant has not been reported in the literature in individuals affected with VRK1-related conditions. ClinVar contains an entry for this variant (Variation ID: 966138). Algorithms developed to predict the effect of missense changes on protein structure and function (SIFT, PolyPhen-2, Align-GVGD) all suggest that this variant is likely to be tolerated. In summary, the available evidence is currently insufficient to determine the role of this variant in disease. Therefore, it has been classified as a Variant of Uncertain Significance.

Ambry Genetics
Classification: Uncertain significance for Inborn genetic diseases. Last evaluated: 2019-10-28. Review status: criteria provided, single submitter. Criteria: Ambry Variant Classification Scheme 2023. Collection method: clinical testing. Allele origin: germline.
Comment: The p.I51V variant (also known as c.151A>G), located in coding exon 1 of the VRK1 gene, results from an A to G substitution at nucleotide position 151. The isoleucine at codon 51 is replaced by valine, an amino acid with highly similar properties. This amino acid position is well conserved in available vertebrate species. In addition, this alteration is predicted to be tolerated by in silico analysis. Since supporting evidence is limited at this time, the clinical significance of this alteration remains unclear.

Natera, Inc.
Classification: Uncertain significance for Pontocerebellar hypoplasia, type 1a. Last evaluated: 2021-04-02. Review status: no assertion criteria provided. Collection method: clinical testing. Allele origin: germline. Not counted in ClinVar's aggregate classification.